The following is an entry in ClinVar:

ClinVar aggregate classification (germline): Likely benign (0 of 4 stars; one submission).

Conditions:
MEG3-related disorder. Also called: MEG3-related condition.

Allele frequency attached by ClinVar (database versions not stated): 1000 Genomes Project 0.00220; 1000 Genomes Project 30x 0.00234; gnomAD 0.00299; TOPMed 0.00345.

Submission:

PreventionGenetics, part of Exact Sciences
Classification: Likely benign for MEG3-related condition. Last evaluated: 2023-01-31. Review status: no assertion criteria provided. Collection method: clinical testing. Allele origin: germline.
Comment: This variant is classified as likely benign based on ACMG/AMP sequence variant interpretation guidelines (Richards et al. 2015 PMID: 25741868, with internal and published modifications).

NR_046473.1(MEG3):n.578G>A

Gene: MEG3 (maternally expressed 3; plus strand). Cytogenetic location: 14q32.2.
Variant type: single nucleotide variant.
Molecular consequence: non-coding transcript variant (on NR_002766.2).
Genome position: GRCh38 VCF-style: chr14-100829392-G-A. GRCh37 (hg19) VCF-style: chr14-101295729-G-A.
Identifiers: ClinVar variation 3040216 (VCV003040216.2), dbSNP rs45497097, ClinGen allele CA266907189.
Genomic context (GRCh38, chr14:100,829,392, plus strand): 5'-TCTGTCATCACCCTTATGATGTCCTGAATGGAAGGATCCCTTTGGGAAATTCTCAGGAGG[G>A]GGACCTGGGCCAAGGGCTTGGCCAGCATCCTGCTGGCAACTCCAAGGCCCTGGGTGGGCT-3'